The following is an entry in ClinVar:

ClinVar aggregate classification (germline): Uncertain significance (1 of 4 stars; one submission).

Allele frequency attached by ClinVar (database versions not stated): gnomAD exomes 0.00010.

Submission:

Ambry Genetics
Classification: Uncertain significance. Last evaluated: 2026-06-22. Review status: criteria provided, single submitter. Criteria: Ambry Variant Classification Scheme 2023. Collection method: clinical testing. Allele origin: germline.
Comment: The c.307T>C (p.W103R) alteration is located in exon 1 (coding exon 1) of the CRIPAK gene. This alteration results from a T to C substitution at nucleotide position 307, causing the tryptophan (W) at amino acid position 103 to be replaced by an arginine (R). Based on data from gnomAD, the C allele has an overall frequency of 0.01% (26/258518) total alleles studied. The highest observed frequency was 0.038% (11/29156) of South Asian alleles. Based on insufficient or conflicting evidence, the clinical significance of this alteration remains unclear.

NC_000004.12:g.1394818T>C

Genes: CRIPAK (cysteine rich PAK1 inhibitor; plus strand), UVSSA (UV stimulated scaffold protein A; plus strand), LOC126806945 (P300/CBP strongly-dependent group 1 enhancer GRCh37_chr4:1388225-1389424; plus strand). Cytogenetic location: 4p16.3.
Variant type: single nucleotide variant.
Molecular consequence: missense variant (on NM_175918.3).
Genome position: GRCh38 VCF-style: chr4-1394818-T-C. GRCh37 (hg19) VCF-style: chr4-1388606-T-C.
Other names: c.307T>C, p.Trp103Arg (NM_175918.3); short protein forms W103R.
Identifiers: ClinVar variation 2206758 (VCV002206758.4), dbSNP rs1395652593, ClinGen allele CA2806749.